The following is an entry in ClinVar:

ClinVar aggregate classification (germline): Uncertain significance (1 of 4 stars; one submission).

Conditions:
Primary dilated cardiomyopathy (DCM). Also called: Dilated Cardiomyopathy. Identifiers: Orphanet 217604, MedGen C0007193, MeSH D002311, MONDO:0005021, HP:0001644. Inheritance: Various modes of inheritance.

Submission:

Clinical Genetics Laboratory, Skane University Hospital Lund
Classification: Uncertain significance for Primary dilated cardiomyopathy. Last evaluated: 2026-04-24. Review status: criteria provided, single submitter. Criteria: ACMG Guidelines, 2015. Collection method: clinical testing. Allele origin: germline. Affected: yes.
Comment: ACMG criteria used: PM1, PM2, PP3.

NM_016203.4(PRKAG2):c.1411G>T (p.Asp471Tyr)

Gene: PRKAG2 (protein kinase AMP-activated non-catalytic subunit gamma 2; minus strand). Cytogenetic location: 7q36.1.
Variant type: single nucleotide variant.
Coding change: c.1411G>T on transcript NM_016203.4 (MANE Select); coding-DNA position 1411, G replaced by T.
Protein change: p.Asp471Tyr; replaces aspartic acid 471 with tyrosine.
Molecular consequence: missense variant.
Genome position (GRCh38, 1-based): chr7:151,565,372, C>A on the plus strand (G>T on the coding strand, the complement: PRKAG2 is on the minus strand). VCF-style: chr7-151565372-C-A. GRCh37 (hg19) VCF-style: chr7-151262458-C-A.
Other names: c.1279G>T, p.Asp427Tyr (NM_001040633.2, NM_001407024.1); c.1036G>T, p.Asp346Tyr (NM_001304527.2, NM_001407029.1); c.688G>T, p.Asp230Tyr (NM_001304531.2, NM_001407034.1, NM_001407035.1 and 1 more transcripts); c.1039G>T, p.Asp347Tyr (NM_001363698.2, NM_001407028.1); c.1411G>T, p.Asp471Tyr (NM_001407021.1); c.1408G>T, p.Asp470Tyr (NM_001407022.1, NM_001407023.1); c.1276G>T, p.Asp426Tyr (NM_001407026.1, NM_001407027.1); c.1123G>T, p.Asp375Tyr (NM_001407030.1); and 6 more; short protein forms D229Y, D230Y, D246Y, D250Y, D346Y, D347Y, D363Y, D365Y.
Identifiers: ClinVar variation 4845419 (VCV004845419.1).